The following is an entry in ClinVar:

ClinVar aggregate classification (germline): Uncertain significance. Review status: criteria provided, multiple submitters, no conflicts (2 of 4 stars). 2 submissions from 2 submitters: Uncertain significance (2). Last evaluated 2022-05-20.

Conditions:
D-2-hydroxyglutaric aciduria 1 (D2HGA1). Identifiers: Orphanet 79315, MedGen C3152055, MONDO:0024554, OMIM 600721.

Allele frequency attached by ClinVar (database versions not stated): TOPMed 0.00001; gnomAD exomes 0.00005.
gnomAD v4.1: 8 of 1,547,022 alleles (0.00052%); highest among the groups gnomAD compares: Admixed American, 0.016%; no homozygotes.

Submissions (2):

Baylor Genetics
Classification: Uncertain significance for D-2-hydroxyglutaric aciduria 1. Last evaluated: 2022-05-20. Review status: criteria provided, single submitter. Criteria: ACMG Guidelines, 2015. Collection method: clinical testing. Allele origin: unknown.

Labcorp Genetics (formerly Invitae), Labcorp
Classification: Uncertain significance for D-2-hydroxyglutaric aciduria 1. Last evaluated: 2020-01-24. Review status: criteria provided, single submitter. Criteria: Invitae Variant Classification Sherloc (09022015). Collection method: clinical testing. Allele origin: germline.
Comment: This sequence change replaces cysteine with tryptophan at codon 36 of the D2HGDH protein (p.Cys36Trp). The cysteine residue is weakly conserved and there is a large physicochemical difference between cysteine and tryptophan. The frequency data for this variant in the population databases is considered unreliable, as metrics indicate insufficient coverage at this position in the ExAC database. This variant has not been reported in the literature in individuals with D2HGDH-related conditions. Algorithms developed to predict the effect of missense changes on protein structure and function (SIFT, PolyPhen-2, Align-GVGD) all suggest that this variant is likely to be tolerated, but these predictions have not been confirmed by published functional studies and their clinical significance is uncertain. In summary, the available evidence is currently insufficient to determine the role of this variant in disease. Therefore, it has been classified as a Variant of Uncertain Significance.

NM_152783.5(D2HGDH):c.108C>G (p.Cys36Trp)

Genes: D2HGDH (D-2-hydroxyglutarate dehydrogenase; plus strand), LOC129936032 (ATAC-STARR-seq lymphoblastoid silent region 12559; plus strand). Cytogenetic location: 2q37.3.
Variant type: single nucleotide variant.
Coding change: c.108C>G on transcript NM_152783.5 (MANE Select); coding-DNA position 108, C replaced by G.
Protein change: p.Cys36Trp; replaces cysteine 36 with tryptophan.
Molecular consequence: missense variant. On other transcripts: 5 prime UTR variant (1), non-coding transcript variant (1), intron variant (1).
Genome position (GRCh38, 1-based): chr2:241,735,332, C>G. VCF-style: chr2-241735332-C-G. GRCh37 (hg19) VCF-style: chr2-242674747-C-G.
Other names: c.-437C>G (NM_001352824.2); c.-111+637C>G (NM_001287249.2); short protein forms C36W.
Identifiers: ClinVar variation 1023523 (VCV001023523.9), dbSNP rs1437082537, ClinGen allele CA351404382.